The following is an entry in ClinVar:

ClinVar aggregate classification (germline): Pathogenic/Likely pathogenic. Review status: criteria provided, multiple submitters, no conflicts (2 of 4 stars). 6 submissions from 6 submitters: Pathogenic (3); Likely pathogenic (1). 2 of the submissions do not count toward it. Last evaluated 2026-04-25.

Conditions:
Intellectual developmental disorder, autosomal recessive 58. Also called: Intellectual disability, autosomal recessive 58. Identifiers: MedGen C4310641, MONDO:0014996, OMIM 617270.
Profound intellectual disability. Identifiers: MedGen C3161330, HP:0002187.

Allele frequency attached by ClinVar (database versions not stated): gnomAD 0.00003 and 0.00002; ESP Exome Variant Server 0.00008; 1000 Genomes Project 0.00020; 1000 Genomes Project 30x 0.00031; ExAC 0.00002; gnomAD exomes 0.00002; TOPMed 0.00002.

Submissions (6):

GeneDx
Classification: Pathogenic. Last evaluated: 2026-04-25. Review status: criteria provided, single submitter. Criteria: GeneDx Variant Classification Process June 2021. Collection method: clinical testing. Allele origin: germline.
Comment: Published functional studies demonstrate a damaging effect on tRNA-induced acetyl-CoA hydrolysis activity (PMID: 33976153); In silico analysis supports that this missense variant has a deleterious effect on protein structure/function; Also known as c.1385 G>A p.(R462Q); This variant is associated with the following publications: (PMID: 34653680, 39417332, 28726809, 31028937, 32573669, 33393008, 34426522, 33510603, 33961281, 33742171, 36787709, 36360260, 38570878, 33976153)

Medical Genetics, Karadeniz Technical University
Classification: Pathogenic for Intellectual developmental disorder, autosomal recessive 58. Last evaluated: 2025-11-20. Review status: criteria provided, single submitter. Criteria: ACMG Guidelines, 2015. Collection method: clinical testing. Allele origin: biparental. Affected: yes.
Comment: This variation is predicted to have deleterious effect per Revel (0,92) and AlphaMissense (0,986) in silico evaluation tools. It's a very rare variation in gnomAD (v.4.1: 12 Alleles of 1,614,014) with no homozygous individuals. Also it's shown that R462W have a detrimental effect on the stability and activity of the Elongator complex in vitro and in vivo (mice). PMID: 33976153. Thus, ACMG classisifcation of the variation is pathogenic.

Victorian Clinical Genetics Services, Murdoch Childrens Research Institute
Classification: Likely pathogenic for Intellectual developmental disorder, autosomal recessive 58. Last evaluated: 2022-09-02. Review status: criteria provided, single submitter. Criteria: ACMG Guidelines, 2015. Collection method: clinical testing. Allele origin: germline.
Comment: A heterozygous missense variant was identified, NM_001242875.2(ELP2):c.1580G>A in exon 14 of 23 of the ELP2 gene. This substitution is predicted to create a minor amino acid change from an arginine to a glutamine at position 527 of the protein; NP_001229804.1(ELP2):p.(Arg527Gln). The arginine at this position has high conservation (100 vertebrates, UCSC), and is located within a WD40 repeat (NCBI). In silico software predicts this variant to be damaging (Polyphen, SIFT, CADD, Mutation Taster). The variant is present in the gnomAD population database at a global frequency of 0.0016% (4 heterozygotes, 0 homozygotes). This variant has been previously reported as pathogenic in two patients with syndromic global developmental delay (LOVD, Strauss, K. A. et al. (2018)). Different variants in the same codon resulting in a change to a tryptophan and leucine, have also been shown to cause intellectual disability (LOVD, ClinVar, Farwell, K. D. et al. (2015), Najmabadi, H. et al. (2011), Cohen, J. S. et al. (2015)). Based on information available at the time of curation, this variant has been classified as LIKELY PATHOGENIC.

Labcorp Genetics (formerly Invitae), Labcorp
Classification: Pathogenic. Last evaluated: 2022-08-17. Review status: criteria provided, single submitter. Criteria: Invitae Variant Classification Sherloc (09022015). Collection method: clinical testing. Allele origin: germline.
Comment: This sequence change replaces arginine, which is basic and polar, with glutamine, which is neutral and polar, at codon 527 of the ELP2 protein (p.Arg527Gln). This variant is present in population databases (rs371310428, gnomAD 0.01%). This missense change has been observed in individual(s) with ELP2-related intellectual disability syndrome (PMID: 32573669, 33393008, 33510603, 33976153, 34653680). In at least one individual the data is consistent with being in trans (on the opposite chromosome) from a pathogenic variant. It has also been observed to segregate with disease in related individuals. This variant is also known as p.R462Q. ClinVar contains an entry for this variant (Variation ID: 870396). Algorithms developed to predict the effect of missense changes on protein structure and function are either unavailable or do not agree on the potential impact of this missense change (SIFT: "Not Available"; PolyPhen-2: "Probably Damaging"; Align-GVGD: "Not Available"). Experimental studies have shown that this missense change affects ELP2 function (PMID: 33976153). For these reasons, this variant has been classified as Pathogenic.

Wainwright Lab, University Of Queensland
Classification: Likely pathogenic for Intellectual disability, profound. Review status: no assertion criteria provided. Collection method: clinical testing. Allele origin: inherited. Inheritance: Autosomal recessive inheritance. Affected: yes. Observed: 1 variant allele, 1 homozygote. Not counted in ClinVar's aggregate classification.

Department of Pathology and Laboratory Medicine, Sinai Health System
Classification: Uncertain significance for Intellectual developmental disorder, autosomal recessive 58. Last evaluated: 2021-08-11. Review status: flagged submission. Criteria: ACMG Guidelines, 2015. Collection method: research. Allele origin: germline. Not counted in ClinVar's aggregate classification.
ClinVar note: Reason: Outlier claim with insufficient supporting evidence

Literature cited by the submitters: PubMed 33976153 (cited by Medical Genetics, Karadeniz Technical University and Labcorp Genetics (formerly Invitae), Labcorp); PubMed 21937992 (cited by Victorian Clinical Genetics Services, Murdoch Childrens Research Institute); PubMed 25356970 (cited by Victorian Clinical Genetics Services, Murdoch Childrens Research Institute); PubMed 25847581 (cited by Victorian Clinical Genetics Services, Murdoch Childrens Research Institute); PubMed 28726809 (cited by Victorian Clinical Genetics Services, Murdoch Childrens Research Institute); PubMed 32573669 (cited by Labcorp Genetics (formerly Invitae), Labcorp); PubMed 33393008 (cited by Labcorp Genetics (formerly Invitae), Labcorp); PubMed 33510603 (cited by Labcorp Genetics (formerly Invitae), Labcorp); PubMed 34653680 (cited by Labcorp Genetics (formerly Invitae), Labcorp).

NM_018255.4(ELP2):c.1385G>A (p.Arg462Gln)

Gene: ELP2 (elongator acetyltransferase complex subunit 2; plus strand). Cytogenetic location: 18q12.2.
Variant type: single nucleotide variant.
Coding change: c.1385G>A on transcript NM_018255.4 (MANE Select); coding-DNA position 1385, G replaced by A.
Protein change: p.Arg462Gln; replaces arginine 462 with glutamine.
Molecular consequence: missense variant. On other transcripts: non-coding transcript variant (4).
Genome position (GRCh38, 1-based): chr18:36,156,575, G>A. VCF-style: chr18-36156575-G-A. GRCh37 (hg19) VCF-style: chr18-33736538-G-A.
Other names: c.1580G>A, p.Arg527Gln (NM_001242875.3); c.1370G>A, p.Arg457Gln (NM_001242876.3); c.1307G>A, p.Arg436Gln (NM_001242877.3); c.1175G>A, p.Arg392Gln (NM_001242878.3, NM_001242879.3); c.1253G>A, p.Arg418Gln (NM_001324465.2); c.1502G>A, p.Arg501Gln (NM_001324466.2); c.1235G>A, p.Arg412Gln (NM_001324467.2); c.938G>A, p.Arg313Gln (NM_001324468.2); short protein forms R313Q, R418Q, R457Q, R527Q, R462Q, R501Q, R392Q, R412Q.
Identifiers: ClinVar variation 870396 (VCV000870396.16), dbSNP rs371310428, ClinGen allele CA8939946.